The following is an entry in ClinVar:

NM_014043.4(CHMP2B):c.545C>T (p.Pro182Leu)

Gene: CHMP2B (charged multivesicular body protein 2B; plus strand). Cytogenetic location: 3p11.2.
Variant type: single nucleotide variant.
Coding change: c.545C>T on transcript NM_014043.4 (MANE Select); coding-DNA position 545, C replaced by T.
Protein change: p.Pro182Leu; replaces proline 182 with leucine.
Molecular consequence: missense variant.
Genome position (GRCh38, 1-based): chr3:87,253,725, C>T. VCF-style: chr3-87253725-C-T. GRCh37 (hg19) VCF-style: chr3-87302875-C-T.
Other names: c.422C>T, p.Pro141Leu (NM_001244644.2); short protein forms P182L, P141L.
Identifiers: ClinVar variation 1376594 (VCV001376594.6), dbSNP rs369257752, ClinGen allele CA2501033.

ClinVar aggregate classification (germline): Uncertain significance (1 of 4 stars; one submission).

Conditions:
Frontotemporal dementia and/or amyotrophic lateral sclerosis 7 (FTDALS7). Also called: CHMP2B-Related Frontotemporal Dementia-Amyotrophic Lateral Sclerosis; Amyotrophic lateral sclerosis 17; CHMP2B-related frontotemporal dementia; AMYOTROPHIC LATERAL SCLEROSIS, CHMP2B-RELATED. Identifiers: Orphanet 275864, Orphanet 282, Orphanet 803, MedGen C1833296, MONDO:0010936, OMIM 600795.

Allele frequency attached by ClinVar (database versions not stated): ESP Exome Variant Server 0.00008; gnomAD exomes below 0.00001; ExAC 0.00001; gnomAD 0.00001 and 0.00002; TOPMed 0.00002.
gnomAD v4.1: 18 of 1,612,228 alleles (0.0011%); highest among the groups gnomAD compares: Non-Finnish European, 0.0014%; no homozygotes.

Submission:

Labcorp Genetics (formerly Invitae), Labcorp
Classification: Uncertain significance for Frontotemporal dementia and/or amyotrophic lateral sclerosis 7. Last evaluated: 2021-12-10. Review status: criteria provided, single submitter. Criteria: Invitae Variant Classification Sherloc (09022015). Collection method: clinical testing. Allele origin: germline.
Comment: In summary, the available evidence is currently insufficient to determine the role of this variant in disease. Therefore, it has been classified as a Variant of Uncertain Significance. Algorithms developed to predict the effect of missense changes on protein structure and function (SIFT, PolyPhen-2, Align-GVGD) all suggest that this variant is likely to be disruptive. This variant has not been reported in the literature in individuals affected with CHMP2B-related conditions. This variant is present in population databases (rs369257752, gnomAD 0.0009%). This sequence change replaces proline, which is neutral and non-polar, with leucine, which is neutral and non-polar, at codon 182 of the CHMP2B protein (p.Pro182Leu).